The following is an entry in ClinVar:

NM_001953.5(TYMP):c.113A>G (p.Glu38Gly)

Gene: TYMP (thymidine phosphorylase; minus strand). Cytogenetic location: 22q13.33.
Variant type: single nucleotide variant.
Coding change: c.113A>G on transcript NM_001953.5 (MANE Select); coding-DNA position 113, A replaced by G.
Protein change: p.Glu38Gly; replaces glutamic acid 38 with glycine.
Molecular consequence: missense variant.
Genome position (GRCh38, 1-based): chr22:50,529,597, T>C on the plus strand (A>G on the coding strand, the complement: TYMP is on the minus strand). VCF-style: chr22-50529597-T-C. GRCh37 (hg19) VCF-style: chr22-50968026-T-C.
Other names: c.113A>G, p.Glu38Gly (NM_001113755.3, NM_001113756.3, NM_001257988.1 and 1 more transcripts); short protein forms E38G.
Identifiers: ClinVar variation 1030497 (VCV001030497.1), dbSNP rs1240133140, ClinGen allele CA412202790.
Genomic context (GRCh38, chr22:50,529,597, plus strand): 5'-ACGAAGCCCCTGATGTCCGCTTCGCTCAGGCGGCCTCCGTCTCGCTTCATGCGGATCAGC[T>C]CCGGGAGCTGCTTGGGCTCTGGCGAAGGGTCGGGAAGTCCCTGGCTCCCTTCCCCGGAGA-3'
Protein context (NP_001944.1, residues 28-48): DPSPEPKQLP[Glu38Gly]LIRMKRDGGR

ClinVar aggregate classification (germline): Uncertain significance (1 of 4 stars; one submission).

Conditions:
Mitochondrial DNA depletion syndrome 1. Also called: POLIP SYNDROME; POLYNEUROPATHY, OPHTHALMOPLEGIA, LEUKOENCEPHALOPATHY, AND INTESTINAL PSEUDOOBSTRUCTION; Mitochondrial DNA depletion syndrome 1 (MNGIE type); Mitochondrial DNA Depletion Syndrome, MNGIE Form; Mitochondrial Neurogastrointestinal Encephalopathy Disease; MITOCHONDRIAL NEUROGASTROINTESTINAL ENCEPHALOPATHY SYNDROME, TYMP-RELATED. Identifiers: Orphanet 298, MedGen C4551995, MONDO:0011283, OMIM 603041.

Allele frequency attached by ClinVar (database versions not stated): gnomAD exomes below 0.00001 and 0.00003; TOPMed below 0.00001.

Submission:

Baylor Genetics
Classification: Uncertain significance for Mitochondrial DNA depletion syndrome 1. Last evaluated: 2019-03-27. Review status: criteria provided, single submitter. Criteria: ACMG Guidelines, 2015. Collection method: clinical testing. Allele origin: maternal. Affected: yes.
Comment: This variant was determined to be of uncertain significance according to ACMG Guidelines, 2015 [PMID:25741868].